The following is an entry in ClinVar:

ClinVar aggregate classification (germline): Uncertain significance (1 of 4 stars; one submission).

Conditions:
Hereditary cancer-predisposing syndrome. Also called: Neoplastic Syndromes, Hereditary; Tumor predisposition; Hereditary Cancer Syndrome; Hereditary neoplastic syndrome. Identifiers: Orphanet 140162, MedGen C0027672, MeSH D009386, MONDO:0015356.

Submission:

Ambry Genetics
Classification: Uncertain significance for Hereditary cancer-predisposing syndrome. Last evaluated: 2026-04-15. Review status: criteria provided, single submitter. Criteria: Ambry Variant Classification Scheme 2023. Collection method: clinical testing. Allele origin: germline.
Comment: The p.G694D variant (also known as c.2081G>A), located in coding exon 8 of the BLM gene, results from a G to A substitution at nucleotide position 2081. The glycine at codon 694 is replaced by aspartic acid, an amino acid with similar properties. This amino acid position is conserved. In addition, this alteration is predicted to be deleterious by in silico analysis. Based on the available evidence, the clinical significance of this variant remains unclear.

NM_000057.4(BLM):c.2081G>A (p.Gly694Asp)

Gene: BLM (BLM RecQ like helicase; plus strand). Cytogenetic location: 15q26.1.
Variant type: single nucleotide variant.
Coding change: c.2081G>A on transcript NM_000057.4 (MANE Select); coding-DNA position 2081, G replaced by A.
Protein change: p.Gly694Asp; replaces glycine 694 with aspartic acid.
Molecular consequence: missense variant.
Genome position (GRCh38, 1-based): chr15:90,765,302, G>A. VCF-style: chr15-90765302-G-A. GRCh37 (hg19) VCF-style: chr15-91308532-G-A.
Other names: c.2081G>A, p.Gly694Asp (NM_001287246.2, NM_001287247.2); c.956G>A, p.Gly319Asp (NM_001287248.2); short protein forms G319D, G694D.
Identifiers: ClinVar variation 4867488 (VCV004867488.1).
Genomic context (GRCh38, chr15:90,765,302, plus strand): 5'-ATTCATGCTCTGAAGACAGAACCTGACAGATATTTTTTCATTGTTCTCTTTCAGGAGGTG[G>A]TAAGAGTTTGTGTTACCAGCTCCCTGCCTGTGTTTCTCCTGGGGTCACTGTTGTCATTTC-3'
Protein context (NP_000048.1, residues 684-704): DCFILMPTGG[Gly694Asp]KSLCYQLPAC